The following is an entry in ClinVar:

NM_005908.4(MANBA):c.1708del (p.Ser570fs)

Gene: MANBA (mannosidase beta; minus strand). Cytogenetic location: 4q24.
Variant type: Deletion.
Coding change: c.1708del on transcript NM_005908.4 (MANE Select); coding-DNA position 1708, one base deleted (T; older notation c.1708delT).
Protein change: p.Ser570fs; shifts the reading frame from serine 570.
Molecular consequence: frameshift variant.
Genome position (GRCh38, 1-based): chr4:102,650,698, A deleted on the plus strand (T on the coding strand, the reverse complement: MANBA is on the minus strand). VCF-style (leftmost placement, unchanged base first): chr4-102650697-GA-G. GRCh37 (hg19) VCF-style: chr4-103571854-GA-G.
Other names: short protein forms S570fs.
Identifiers: ClinVar variation 4700333 (VCV004700333.1).

ClinVar aggregate classification (germline): Pathogenic (1 of 4 stars; one submission).

Conditions:
Beta-D-mannosidosis (MANSB). Also called: MANNOSIDOSIS, BETA A, LYSOSOMAL; BETA-MANNOSIDASE DEFICIENCY; LYSOSOMAL BETA-MANNOSIDASE DEFICIENCY; Beta-Mannosidosis. Identifiers: Orphanet 118, MedGen C4048196, MONDO:0009562, OMIM 248510.

Submission:

Labcorp Genetics (formerly Invitae), Labcorp
Classification: Pathogenic for Beta-D-mannosidosis. Last evaluated: 2025-11-13. Review status: criteria provided, single submitter. Criteria: Invitae Variant Classification Sherloc (09022015). Collection method: clinical testing. Allele origin: germline.
Comment: This sequence change creates a premature translational stop signal (p.Ser570Argfs*55) in the MANBA gene. It is expected to result in an absent or disrupted protein product. Loss-of-function variants in MANBA are known to be pathogenic (PMID: 9384606, 12468273). This variant is not present in population databases (gnomAD no frequency). This variant has not been reported in the literature in individuals affected with MANBA-related conditions. For these reasons, this variant has been classified as Pathogenic.

Literature cited by the submitters: PubMed 9384606; PubMed 12468273.